The following is an entry in ClinVar:

ClinVar aggregate classification (germline): Likely benign. Review status: criteria provided, multiple submitters, no conflicts (2 of 4 stars). 2 submissions from 2 submitters: Likely benign (2). Last evaluated 2026-01-07.

gnomAD v4.1: 40 of 1,526,262 alleles (0.0026%); highest among the groups gnomAD compares: Admixed American, 0.043%; 1 homozygote.

Submissions (2):

Labcorp Genetics (formerly Invitae), Labcorp
Classification: Likely benign. Last evaluated: 2026-01-07. Review status: criteria provided, single submitter. Criteria: Invitae Variant Classification Sherloc (09022015). Collection method: clinical testing. Allele origin: germline.

CeGaT Center for Human Genetics Tuebingen
Classification: Likely benign. Last evaluated: 2025-04-01. Review status: criteria provided, single submitter. Criteria: CeGaT Center For Human Genetics Tuebingen Variant Classification Criteria Version 2. Collection method: clinical testing. Allele origin: germline. Affected: yes. Observed: 1 variant allele.
Comment: ZMIZ1: BP4, BP7

NM_020338.4(ZMIZ1):c.1008G>A (p.Pro336=)

Gene: ZMIZ1 (zinc finger MIZ-type containing 1; plus strand). Cytogenetic location: 10q22.3.
Variant type: single nucleotide variant.
Coding change: c.1008G>A on transcript NM_020338.4 (MANE Select); coding-DNA position 1008, G replaced by A.
Protein change: p.Pro336=; no amino-acid change (proline 336 retained).
Molecular consequence: synonymous variant.
Genome position (GRCh38, 1-based): chr10:79,293,431, G>A. VCF-style: chr10-79293431-G-A. GRCh37 (hg19) VCF-style: chr10-81053188-G-A.
Identifiers: ClinVar variation 2721791 (VCV002721791.13), dbSNP rs574399228, ClinGen allele CA5572511.
Genomic context (GRCh38, chr10:79,293,431, plus strand): 5'-CTCTTTCCAGATGGGTCCCACCCAGGCGTATAACAGCCAATTCATGAACCAGCCCGGGCC[G>A]CGGGGGCCTGCCTCCATGGGGGGCAGCATGAACCCCGCGAGCATGGCGGCTGGCATGACG-3'
Protein context (NP_065071.1, residues 326-346): YNSQFMNQPG[Pro336=]RGPASMGGSM